The following is an entry in ClinVar:

NM_001178020.3(BEAN1):c.648C>T (p.Tyr216=)

Gene: BEAN1 (brain expressed associated with NEDD4 1; plus strand). Cytogenetic location: 16q21.
Variant type: single nucleotide variant.
Coding change: c.648C>T on transcript NM_001178020.3 (MANE Select); coding-DNA position 648, C replaced by T.
Protein change: p.Tyr216=; no amino-acid change (tyrosine 216 retained).
Molecular consequence: synonymous variant. On other transcripts: intron variant (1).
Genome position (GRCh38, 1-based): chr16:66,480,793, C>T. VCF-style: chr16-66480793-C-T. GRCh37 (hg19) VCF-style: chr16-66514696-C-T.
Other names: c.321C>T, p.Tyr107= (NM_001136106.5); c.114-2085C>T (NM_001197224.4).
Identifiers: ClinVar variation 2646599 (VCV002646599.25), dbSNP rs146144419, ClinGen allele CA8093465.
Genomic context (GRCh38, chr16:66,480,793, plus strand): 5'-GCAGAGGACCCCGGCCCAAGGTGGCCTTCACACGGTCTCCATGGACACCCTTCCCCCCTA[C>T]GAGGCTGTGTGCGGGGCTGGCCCCCCATCAGGCCTGCTGCCACTGCCGGGCCCAGACCCA-3'
Protein context (NP_001171491.1, residues 206-226): HTVSMDTLPP[Tyr216=]EAVCGAGPPS

ClinVar aggregate classification (germline): Likely benign. Review status: criteria provided, multiple submitters, no conflicts (2 of 4 stars). 2 submissions from 2 submitters: Likely benign (2). Last evaluated 2026-04-01.

Allele frequency attached by ClinVar (database versions not stated): 1000 Genomes Project 0.00220; 1000 Genomes Project 30x 0.00328; ExAC 0.00457; gnomAD exomes 0.00847.
gnomAD v4.1: 12,777 of 1,549,668 alleles (0.82%); highest among the groups gnomAD compares: Non-Finnish European, 0.92%; 69 homozygotes.

Submissions (2):

CeGaT Center for Human Genetics Tuebingen
Classification: Likely benign. Last evaluated: 2026-04-01. Review status: criteria provided, single submitter. Criteria: CeGaT Center For Human Genetics Tuebingen Variant Classification Criteria Version 2. Collection method: clinical testing. Allele origin: germline. Affected: yes. Observed: 3 variant alleles.
Comment: BEAN1: BP4, BP7, BS2

Blueprint Genetics
Classification: Likely benign. Last evaluated: 2024-11-27. Review status: criteria provided, single submitter. Criteria: ACMG Guidelines, 2015. Collection method: clinical testing. Allele origin: germline.